The following is an entry in ClinVar:

ClinVar aggregate classification (germline): Uncertain significance (1 of 4 stars; one submission).

Conditions:
CDON-related disorder. Also called: CDON-related condition.

gnomAD v4.1: 1 of 1,613,896 alleles (0.000062%); highest among the groups gnomAD compares: Non-Finnish European, 0.000085%; no homozygotes.

Submission:

PreventionGenetics, part of Exact Sciences
Classification: Uncertain significance for CDON-related condition. Last evaluated: 2025-11-24. Review status: criteria provided, single submitter. Criteria: ACMG Guidelines, 2015. Collection method: clinical testing. Allele origin: germline.
Comment: The CDON c.598C>G variant is predicted to result in the amino acid substitution p.Gln200Glu. To our knowledge, this variant has not been reported in the literature. This variant is reported in 0.00088% of alleles in individuals of European (Non-Finnish) descent in gnomAD. At this time, the clinical significance of this variant is uncertain due to the absence of conclusive functional and genetic evidence.

NM_001378964.1(CDON):c.598C>G (p.Gln200Glu)

Gene: CDON (cell adhesion associated, oncogene regulated; minus strand). Cytogenetic location: 11q24.2.
Variant type: single nucleotide variant.
Coding change: c.598C>G on transcript NM_001378964.1 (MANE Select); coding-DNA position 598, C replaced by G.
Protein change: p.Gln200Glu; replaces glutamine 200 with glutamic acid.
Molecular consequence: missense variant.
Genome position (GRCh38, 1-based): chr11:126,018,372, G>C on the plus strand (C>G on the coding strand, the complement: CDON is on the minus strand). VCF-style: chr11-126018372-G-C. GRCh37 (hg19) VCF-style: chr11-125888267-G-C.
Other names: c.598C>G, p.Gln200Glu (NM_001243597.3, NM_001441161.1, NM_001441162.1 and 5 more transcripts); short protein forms Q200E.
Identifiers: ClinVar variation 5002617 (VCV005002617.1).